The following is an entry in ClinVar:

NM_052813.5(CARD9):c.1507_1509del (p.Arg504del)

Gene: CARD9 (caspase recruitment domain family member 9; minus strand). Cytogenetic location: 9q34.3.
Variant type: Deletion.
Coding change: c.1507_1509del on transcript NM_052813.5 (MANE Select); coding-DNA positions 1507 to 1509, 3 bases deleted (CGC; older notation c.1507_1509delCGC).
Protein change: p.Arg504del; deletes arginine 504.
Molecular consequence: inframe deletion. On other transcripts: intron variant (1).
Genome position (GRCh38, 1-based): chr9:136,364,485-136,364,487, GCG deleted on the plus strand (CGC on the coding strand, the reverse complement: CARD9 is on the minus strand); deleting any 3 consecutive bases within chr9:136,364,485-136,364,488 gives the same sequence; the c. name uses the placement nearest the transcript's 3' end. VCF-style (leftmost placement, unchanged base first): chr9-136364484-TGCG-T. GRCh37 (hg19) VCF-style: chr9-139258936-TGCG-T.
Other names: c.1441+66_1441+68del (NM_052814.4); short protein forms R504del.
Identifiers: ClinVar variation 961742 (VCV000961742.10), dbSNP rs758002574, ClinGen allele CA5332609.

ClinVar aggregate classification (germline): Uncertain significance (1 of 4 stars; one submission).

Conditions:
Predisposition to invasive fungal disease due to CARD9 deficiency (IMD103). Also called: CARD9 IMMUNODEFICIENCY; IMMUNODEFICIENCY 103, SUSCEPTIBILITY TO FUNGAL INFECTIONS; Candidiasis, familial, 2, autosomal recessive. Identifiers: Orphanet 457088, MedGen C1859353, MONDO:0008905, OMIM 212050.

Submission:

Labcorp Genetics (formerly Invitae), Labcorp
Classification: Uncertain significance for Predisposition to invasive fungal disease due to CARD9 deficiency. Last evaluated: 2019-09-18. Review status: criteria provided, single submitter. Criteria: Invitae Variant Classification Sherloc (09022015). Collection method: clinical testing. Allele origin: germline.
Comment: In summary, the available evidence is currently insufficient to determine the role of this variant in disease. Therefore, it has been classified as a Variant of Uncertain Significance. Experimental studies and prediction algorithms are not available or were not evaluated for this variant, and the functional significance of this variant is currently unknown. This variant has not been reported in the literature in individuals with CARD9-related conditions. The frequency data for this variant in the population databases is considered unreliable, as metrics indicate poor data quality at this position in the ExAC database. This variant, c.1507_1509del, results in the deletion of 1 amino acid(s) of the CARD9 protein (p.Arg504del), but otherwise preserves the integrity of the reading frame.